The following is an entry in ClinVar:

NM_002863.5(PYGL):c.147C>T (p.Thr49=)

Gene: PYGL (glycogen phosphorylase L; minus strand). Cytogenetic location: 14q22.1.
Variant type: single nucleotide variant.
Coding change: c.147C>T on transcript NM_002863.5 (MANE Select); coding-DNA position 147, C replaced by T.
Protein change: p.Thr49=; no amino-acid change (threonine 49 retained).
Molecular consequence: synonymous variant.
Genome position (GRCh38, 1-based): chr14:50,944,257, G>A on the plus strand (C>T on the coding strand, the complement: PYGL is on the minus strand). VCF-style: chr14-50944257-G-A. GRCh37 (hg19) VCF-style: chr14-51410975-G-A.
Other names: c.147C>T, p.Thr49= (NM_001163940.2).
Identifiers: ClinVar variation 711568 (VCV000711568.46), dbSNP rs139338050, ClinGen allele CA7183899.

ClinVar aggregate classification (germline): Conflicting classifications of pathogenicity. Review status: criteria provided, conflicting classifications (1 of 4 stars). 4 submissions from 4 submitters: Uncertain significance (1); Likely benign (3). Last evaluated 2025-11-09.

Conditions:
Glycogen storage disease, type VI (GSD6). Also called: HERS DISEASE; PHOSPHORYLASE DEFICIENCY GLYCOGEN-STORAGE DISEASE OF LIVER; Glycogen storage disease type 6; Hepatic glycogen phosphorylase deficiency; Glycogen storage disease type 6, due to phosphorylation; GSD VI. Identifiers: Orphanet 369, MedGen C0017925, MONDO:0009294, OMIM 232700.

Allele frequency attached by ClinVar (database versions not stated): gnomAD 0.00044 and 0.00046; TOPMed 0.00045; ExAC 0.00047; gnomAD exomes 0.00049 and 0.00070; ESP Exome Variant Server 0.00069; 1000 Genomes Project 30x 0.00078; 1000 Genomes Project 0.00080.
gnomAD v4.1: 1,076 of 1,613,872 alleles (0.067%); highest among the groups gnomAD compares: Non-Finnish European, 0.086%; no homozygotes.

Submissions (4):

Labcorp Genetics (formerly Invitae), Labcorp
Classification: Likely benign for Glycogen storage disease, type VI. Last evaluated: 2025-11-09. Review status: criteria provided, single submitter. Criteria: Invitae Variant Classification Sherloc (09022015). Collection method: clinical testing. Allele origin: germline.

Blueprint Genetics
Classification: Likely benign. Last evaluated: 2024-11-25. Review status: criteria provided, single submitter. Criteria: ACMG Guidelines, 2015. Collection method: clinical testing. Allele origin: germline.

CeGaT Center for Human Genetics Tuebingen
Classification: Likely benign. Last evaluated: 2023-07-01. Review status: criteria provided, single submitter. Criteria: CeGaT Center For Human Genetics Tuebingen Variant Classification Criteria Version 2. Collection method: clinical testing. Allele origin: germline. Affected: yes. Observed: 3 variant alleles.
Comment: PYGL: BP4, BP7

Illumina Laboratory Services, Illumina
Classification: Uncertain significance for Glycogen storage disease, type VI. Last evaluated: 2018-01-12. Review status: criteria provided, single submitter. Criteria: ICSL Variant Classification Criteria 13 December 2019. Collection method: clinical testing. Allele origin: germline.